The following is an entry in ClinVar:

NM_004608.4(TBX6):c.1276G>A (p.Gly426Ser)

Gene: TBX6 (T-box transcription factor 6; minus strand). Cytogenetic location: 16p11.2.
Variant type: single nucleotide variant.
Coding change: c.1276G>A on transcript NM_004608.4 (MANE Select); coding-DNA position 1276, G replaced by A.
Protein change: p.Gly426Ser; replaces glycine 426 with serine.
Molecular consequence: missense variant.
Genome position (GRCh38, 1-based): chr16:30,086,260, C>T on the plus strand (G>A on the coding strand, the complement: TBX6 is on the minus strand). VCF-style: chr16-30086260-C-T. GRCh37 (hg19) VCF-style: chr16-30097581-C-T.
Other names: short protein forms G426S.
Identifiers: ClinVar variation 2428389 (VCV002428389.6), dbSNP rs776999739, ClinGen allele CA8001617.

ClinVar aggregate classification (germline): Uncertain significance (1 of 4 stars; one submission).

Allele frequency attached by ClinVar (database versions not stated): gnomAD 0.00001; TOPMed 0.00001; ExAC 0.00005.
gnomAD v4.1: 42 of 1,611,972 alleles (0.0026%); highest among the groups gnomAD compares: Middle Eastern, 0.081%; no homozygotes.

Submission:

Labcorp Genetics (formerly Invitae), Labcorp
Classification: Uncertain significance. Last evaluated: 2025-12-03. Review status: criteria provided, single submitter. Criteria: Invitae Variant Classification Sherloc (09022015). Collection method: clinical testing. Allele origin: germline.
Comment: This sequence change replaces glycine, which is neutral and non-polar, with serine, which is neutral and polar, at codon 426 of the TBX6 protein (p.Gly426Ser). This variant is present in population databases (rs776999739, gnomAD 0.02%). This variant has not been reported in the literature in individuals affected with TBX6-related conditions. ClinVar contains an entry for this variant (Variation ID: 2428389). An algorithm developed to predict the effect of missense changes on protein structure and function outputs the following: PolyPhen-2: "Benign". The serine amino acid residue is found in multiple mammalian species, which suggests that this missense change does not adversely affect protein function. In summary, the available evidence is currently insufficient to determine the role of this variant in disease. Therefore, it has been classified as a Variant of Uncertain Significance.